The following is an entry in ClinVar:

ClinVar aggregate classification (germline): Uncertain significance (1 of 4 stars; one submission).

Conditions:
Inborn genetic diseases. Identifiers: MedGen C0950123, MeSH D030342.

Submission:

Ambry Genetics
Classification: Uncertain significance for Inborn genetic diseases. Last evaluated: 2025-06-15. Review status: criteria provided, single submitter. Criteria: Ambry Variant Classification Scheme 2023. Collection method: clinical testing. Allele origin: germline.
Comment: The p.V216F variant (also known as c.646G>T), located in coding exon 6 of the BUB1B gene, results from a G to T substitution at nucleotide position 646. The valine at codon 216 is replaced by phenylalanine, an amino acid with highly similar properties. This amino acid position is conserved. In addition, this alteration is predicted to be tolerated by in silico analysis. Based on the available evidence, the clinical significance of this variant remains unclear.

NM_001211.6(BUB1B):c.646G>T (p.Val216Phe)

Gene: BUB1B (BUB1 mitotic checkpoint serine/threonine kinase B; plus strand). Cytogenetic location: 15q15.1.
Variant type: single nucleotide variant.
Coding change: c.646G>T on transcript NM_001211.6 (MANE Select); coding-DNA position 646, G replaced by T.
Protein change: p.Val216Phe; replaces valine 216 with phenylalanine.
Molecular consequence: missense variant.
Genome position (GRCh38, 1-based): chr15:40,183,778, G>T. VCF-style: chr15-40183778-G-T. GRCh37 (hg19) VCF-style: chr15-40475979-G-T.
Other names: short protein forms V216F.
Identifiers: ClinVar variation 4216928 (VCV004216928.1).